The following is an entry in ClinVar:

NM_181882.3(PRX):c.286C>T (p.Leu96=)

Gene: PRX (periaxin; minus strand). Cytogenetic location: 19q13.2.
Variant type: single nucleotide variant.
Coding change: c.286C>T on transcript NM_181882.3 (MANE Select); coding-DNA position 286, C replaced by T.
Protein change: p.Leu96=; no amino-acid change (leucine 96 retained).
Molecular consequence: synonymous variant.
Genome position (GRCh38, 1-based): chr19:40,398,715, G>A on the plus strand (C>T on the coding strand, the complement: PRX is on the minus strand). VCF-style: chr19-40398715-G-A. GRCh37 (hg19) VCF-style: chr19-40904622-G-A.
Other names: c.286C>T, p.Leu96= (NM_020956.2).
Identifiers: ClinVar variation 699921 (VCV000699921.25), dbSNP rs149325913, ClinGen allele CA9444516.

ClinVar aggregate classification (germline): Likely benign. Review status: criteria provided, multiple submitters, no conflicts (2 of 4 stars). 3 submissions from 3 submitters: Likely benign (3). Last evaluated 2026-02-18.

Conditions:
PRX-related disorder. Also called: PRX-Related Disorders; PRX-related condition.
Charcot-Marie-Tooth disease type 4. Also called: Charcot-Marie-Tooth disease, type IV; Charcot-Marie-Tooth, Type 4. Identifiers: Orphanet 64749, MedGen C4082197, MONDO:0018995.

Allele frequency attached by ClinVar (database versions not stated): TOPMed below 0.00001; ExAC 0.00002; gnomAD exomes 0.00002 and 0.00004; ESP Exome Variant Server 0.00008.

Submissions (3):

PreventionGenetics, part of Exact Sciences
Classification: Likely benign for PRX-related condition. Last evaluated: 2026-02-18. Review status: criteria provided, single submitter. Criteria: ACMG Guidelines, 2015. Collection method: clinical testing. Allele origin: germline.
Comment: This variant is classified as likely benign based on ACMG/AMP sequence variant interpretation guidelines (Richards et al. 2015 PMID: 25741868, with internal and published modifications).

Labcorp Genetics (formerly Invitae), Labcorp
Classification: Likely benign for Charcot-Marie-Tooth disease type 4. Last evaluated: 2025-04-09. Review status: criteria provided, single submitter. Criteria: Invitae Variant Classification Sherloc (09022015). Collection method: clinical testing. Allele origin: germline.

CeGaT Center for Human Genetics Tuebingen
Classification: Likely benign. Last evaluated: 2024-07-01. Review status: criteria provided, single submitter. Criteria: CeGaT Center For Human Genetics Tuebingen Variant Classification Criteria Version 2. Collection method: clinical testing. Allele origin: germline. Affected: yes. Observed: 1 variant allele.
Comment: PRX: BP4, BP7